The following is an entry in ClinVar:

NM_000018.4(ACADVL):c.418G>A (p.Gly140Arg)

Gene: ACADVL (acyl-CoA dehydrogenase very long chain; plus strand). Cytogenetic location: 17p13.1.
Variant type: single nucleotide variant.
Coding change: c.418G>A on transcript NM_000018.4 (MANE Select); coding-DNA position 418, G replaced by A.
Protein change: p.Gly140Arg; replaces glycine 140 with arginine.
Molecular consequence: missense variant.
Genome position (GRCh38, 1-based): chr17:7,220,999, G>A. VCF-style: chr17-7220999-G-A. GRCh37 (hg19) VCF-style: chr17-7124318-G-A.
Other names: c.352G>A, p.Gly118Arg (NM_001033859.3); c.487G>A, p.Gly163Arg (NM_001270447.2); c.190G>A, p.Gly64Arg (NM_001270448.2); short protein forms G163R, G64R, G118R, G140R.
Identifiers: ClinVar variation 1498633 (VCV001498633.6), dbSNP rs2142969408, ClinGen allele CA397722865.

ClinVar aggregate classification (germline): Likely pathogenic (1 of 4 stars; one submission).

Conditions:
Very long chain acyl-CoA dehydrogenase deficiency (ACADVLD). Also called: Very Long-Chain Acyl-Coenzyme A Dehydrogenase Deficiency; VLCAD Deficiency. Identifiers: Orphanet 26793, MedGen C3887523, MONDO:0008723, OMIM 201475.

Allele frequency attached by ClinVar (database versions not stated): gnomAD exomes below 0.00001.

Submission:

Labcorp Genetics (formerly Invitae), Labcorp
Classification: Likely pathogenic for Very long chain acyl-CoA dehydrogenase deficiency. Last evaluated: 2021-08-06. Review status: criteria provided, single submitter. Criteria: Invitae Variant Classification Sherloc (09022015). Collection method: clinical testing. Allele origin: germline.
Comment: In summary, the currently available evidence indicates that the variant is pathogenic, but additional data are needed to prove that conclusively. Therefore, this variant has been classified as Likely Pathogenic. This variant disrupts the p.Gly140 amino acid residue in ACADVL. Other variant(s) that disrupt this residue have been determined to be pathogenic (PMID: 15210884). This suggests that this residue is clinically significant, and that variants that disrupt this residue are likely to be disease-causing. Advanced modeling of protein sequence and biophysical properties (such as structural, functional, and spatial information, amino acid conservation, physicochemical variation, residue mobility, and thermodynamic stability) performed at Invitae indicates that this missense variant is expected to disrupt ACADVL protein function. This variant has not been reported in the literature in individuals affected with ACADVL-related conditions. This variant is not present in population databases (ExAC no frequency). This sequence change replaces glycine with arginine at codon 140 of the ACADVL protein (p.Gly140Arg). The glycine residue is highly conserved and there is a moderate physicochemical difference between glycine and arginine.

Literature cited by the submitters: PubMed 15210884.